The following is an entry in ClinVar:

ClinVar aggregate classification (germline): Pathogenic (1 of 4 stars; one submission).

Conditions:
Hereditary cancer-predisposing syndrome. Also called: Neoplastic Syndromes, Hereditary; Tumor predisposition; Hereditary Cancer Syndrome; Hereditary neoplastic syndrome. Identifiers: Orphanet 140162, MedGen C0027672, MeSH D009386, MONDO:0015356.

Submission:

Ambry Genetics
Classification: Pathogenic for Hereditary cancer-predisposing syndrome. Last evaluated: 2016-07-15. Review status: criteria provided, single submitter. Criteria: Ambry Variant Classification Scheme 2023. Collection method: clinical testing. Allele origin: germline.
Comment: The c.357delC pathogenic mutation, located in coding exon 2 of the STK11 gene, results from a deletion of one nucleotide at nucleotide position 357, causing a translational frameshift with a predicted alternate stop codon (p.N119Kfs*10). This alteration is expected to result in loss of function by premature protein truncation or nonsense-mediated mRNA decay. As such, this alteration is interpreted as a disease-causing mutation.

NM_000455.5(STK11):c.357del (p.Asn119fs)

Gene: STK11 (serine/threonine kinase 11; plus strand). Cytogenetic location: 19p13.3.
Variant type: Deletion.
Coding change: c.357del on transcript NM_000455.5 (MANE Select); coding-DNA position 357, one base deleted (C; older notation c.357delC).
Protein change: p.Asn119fs; shifts the reading frame from asparagine 119.
Molecular consequence: frameshift variant.
Genome position (GRCh38, 1-based): chr19:1,218,483, C deleted. VCF-style (leftmost placement, unchanged base first): chr19-1218482-AC-A. GRCh37 (hg19) VCF-style: chr19-1218481-AC-A.
Other names: c.357delC (NM_000455.4); short protein forms N119fs.
Identifiers: ClinVar variation 485010 (VCV000485010.5), dbSNP rs1555737444, ClinGen allele CA658656740.
Genomic context (GRCh38, chr19:1,218,482, plus strand): 5'-TTCAACTACTGAGGAGGTTACGGCACAAAAATGTCATCCAGCTGGTGGATGTGTTATACA[AC>A]GAAGAGAAGCAGAAAATATATCCTTTCCGGTGTTGGGACCGCGGGGCCTCCGTGGGAGGG-3'